The following is an entry in ClinVar:

ClinVar aggregate classification (germline): Pathogenic. Review status: criteria provided, single submitter (1 of 4 stars). 2 submissions from 2 submitters: Pathogenic (1). 1 of the submissions does not count toward it. Last evaluated 2022-07-12.

Conditions:
Myoclonic dystonia 11 (DYT11). Also called: DYT-SGCE; Myoclonic dystonia; Dystonia 11; Dystonia, alcohol responsive; Hereditary essential myoclonus; SGCE Myoclonus-Dystonia. Identifiers: Orphanet 36899, MedGen C1834570, MONDO:0008044, OMIM 159900.

Submissions (2):

MGZ Medical Genetics Center
Classification: Pathogenic for Myoclonic dystonia 11. Last evaluated: 2022-07-12. Review status: criteria provided, single submitter. Criteria: ACMG Guidelines, 2015. Collection method: clinical testing. Allele origin: germline. Affected: yes. Observed: 1 variant allele.
Comment: ACMG criteria applied: PVS1, PS4_SUP, PM2_SUP

OMIM
Classification: Pathogenic for DYSTONIA 11, MYOCLONIC. Last evaluated: 2001-09-01. Review status: no assertion criteria provided. Collection method: literature only. Allele origin: germline. Not counted in ClinVar's aggregate classification.

Literature cited by the submitters: PubMed 11528394 (cited by OMIM).

NM_003919.3(SGCE):c.483del (p.Ala162fs)

Genes: CASD1 (CAS1 domain sialic acid O acetyltransferase 1; plus strand), SGCE (sarcoglycan epsilon; minus strand). Cytogenetic location: 7q21.3.
Variant type: Deletion.
Coding change: c.483del on transcript NM_003919.3 (MANE Select); coding-DNA position 483, one base deleted (A; older notation c.483delA).
Protein change: p.Ala162fs; shifts the reading frame from alanine 162.
Molecular consequence: frameshift variant.
Genome position (GRCh38, 1-based): chr7:94,618,937, T deleted on the plus strand (A on the coding strand, the reverse complement: SGCE is on the minus strand); the first of 2 consecutive T bases (chr7:94,618,937-94,618,938); deleting either gives the same sequence. VCF-style (leftmost placement, unchanged base first): chr7-94618936-CT-C. GRCh37 (hg19) VCF-style: chr7-94248248-CT-C.
Other names: c.483del, p.Ala162fs (NM_001099400.2, NM_001099401.2, NM_001346717.2); c.360del, p.Ala121fs (NM_001301139.2, NM_001362809.2); c.591del, p.Ala198fs (NM_001346713.2, NM_001346715.2); c.396del, p.Ala133fs (NM_001346719.2, NM_001362807.2); c.210del, p.Ala71fs (NM_001346720.2, NM_001362808.2); short protein forms A121fs, A133fs, A162fs, A198fs, A71fs.
Identifiers: ClinVar variation 1709648 (VCV001709648.3), dbSNP rs2485109812, ClinGen allele CA2580077867.